The following is an entry in ClinVar:

NM_206933.4(USH2A):c.13685T>C (p.Ile4562Thr)

Gene: USH2A (usherin; minus strand). Cytogenetic location: 1q41.
Variant type: single nucleotide variant.
Coding change: c.13685T>C on transcript NM_206933.4 (MANE Select); coding-DNA position 13685, T replaced by C.
Protein change: p.Ile4562Thr; replaces isoleucine 4562 with threonine.
Molecular consequence: missense variant.
Genome position (GRCh38, 1-based): chr1:215,674,226, A>G on the plus strand (T>C on the coding strand, the complement: USH2A is on the minus strand). VCF-style: chr1-215674226-A-G. GRCh37 (hg19) VCF-style: chr1-215847568-A-G.
Other names: short protein forms I4562T.
Identifiers: ClinVar variation 1391698 (VCV001391698.5), dbSNP rs2102664718, ClinGen allele CA344843893.

ClinVar aggregate classification (germline): Uncertain significance (1 of 4 stars; one submission).

gnomAD v4.1: 4 of 1,614,098 alleles (0.00025%); highest among the groups gnomAD compares: Non-Finnish European, 0.00034%; no homozygotes.

Submission:

Labcorp Genetics (formerly Invitae), Labcorp
Classification: Uncertain significance. Last evaluated: 2025-01-13. Review status: criteria provided, single submitter. Criteria: Invitae Variant Classification Sherloc (09022015). Collection method: clinical testing. Allele origin: germline.
Comment: This sequence change replaces isoleucine, which is neutral and non-polar, with threonine, which is neutral and polar, at codon 4562 of the USH2A protein (p.Ile4562Thr). This variant is not present in population databases (gnomAD no frequency). This variant has not been reported in the literature in individuals affected with USH2A-related conditions. ClinVar contains an entry for this variant (Variation ID: 1391698). Invitae Evidence Modeling of protein sequence and biophysical properties (such as structural, functional, and spatial information, amino acid conservation, physicochemical variation, residue mobility, and thermodynamic stability) has been performed for this missense variant. However, the output from this modeling did not meet the statistical confidence thresholds required to predict the impact of this variant on USH2A protein function. In summary, the available evidence is currently insufficient to determine the role of this variant in disease. Therefore, it has been classified as a Variant of Uncertain Significance.